The following is an entry in ClinVar:

ClinVar aggregate classification (germline): Uncertain significance. Review status: criteria provided, multiple submitters, no conflicts (2 of 4 stars). 2 submissions from 2 submitters: Uncertain significance (2). Last evaluated 2023-11-22.

Conditions:
Hereditary cancer-predisposing syndrome. Also called: Neoplastic Syndromes, Hereditary; Tumor predisposition; Hereditary Cancer Syndrome; Hereditary neoplastic syndrome. Identifiers: Orphanet 140162, MedGen C0027672, MeSH D009386, MONDO:0015356.
Familial adenomatous polyposis 3. Also called: NTHL1-Related Adenomatous Polyposis and Colorectal Cancer; NTHL1 Tumor Syndrome; NTHL1-related attenuated familial adenomatous polyposis; NTHL1-associated polyposis. Identifiers: Orphanet 220460, Orphanet 454840, MedGen C4225157, MONDO:0014630, OMIM 616415.

Allele frequency attached by ClinVar (database versions not stated): gnomAD exomes below 0.00001; ExAC 0.00001; gnomAD 0.00001; 1000 Genomes Project 30x 0.00016; 1000 Genomes Project 0.00020.
gnomAD v4.1: 3 of 1,612,652 alleles (0.00019%); highest among the groups gnomAD compares: Middle Eastern, 0.017%; no homozygotes.

Submissions (2):

Ambry Genetics
Classification: Uncertain significance for Hereditary cancer-predisposing syndrome. Last evaluated: 2023-11-22. Review status: criteria provided, single submitter. Criteria: Ambry Variant Classification Scheme 2023. Collection method: clinical testing. Allele origin: germline.
Comment: The p.A123T variant (also known as c.367G>A), located in coding exon 2 of the NTHL1 gene, results from a G to A substitution at nucleotide position 367. The alanine at codon 123 is replaced by threonine, an amino acid with similar properties. This amino acid position is conserved. In addition, this alteration is predicted to be tolerated by in silico analysis. Since supporting evidence is limited at this time, the clinical significance of this alteration remains unclear.

Baylor Genetics
Classification: Uncertain significance for Familial adenomatous polyposis 3. Last evaluated: 2023-05-26. Review status: criteria provided, single submitter. Criteria: ACMG Guidelines, 2015. Collection method: clinical testing. Allele origin: unknown.

NM_002528.7(NTHL1):c.343G>A (p.Ala115Thr)

Gene: NTHL1 (nth like DNA glycosylase 1; minus strand). Cytogenetic location: 16p13.3.
Variant type: single nucleotide variant.
Coding change: c.343G>A on transcript NM_002528.7 (MANE Select); coding-DNA position 343, G replaced by A.
Protein change: p.Ala115Thr; replaces alanine 115 with threonine.
Molecular consequence: missense variant. On other transcripts: intron variant (1).
Genome position (GRCh38, 1-based): chr16:2,046,139, C>T on the plus strand (G>A on the coding strand, the complement: NTHL1 is on the minus strand). VCF-style: chr16-2046139-C-T. GRCh37 (hg19) VCF-style: chr16-2096140-C-T.
Other names: c.367G>A (NM_002528.5); c.343G>A, p.Ala115Thr (NM_001318193.2); c.24+141G>A (NM_001318194.2); short protein forms A115T.
Identifiers: ClinVar variation 2677378 (VCV002677378.2), dbSNP rs545731865, ClinGen allele CA7828320.